The following is an entry in ClinVar:

ClinVar aggregate classification (germline): Uncertain significance. Review status: criteria provided, single submitter (1 of 4 stars). 2 submissions from 2 submitters: Uncertain significance (1). 1 of the submissions does not count toward it. Last evaluated 2025-10-08.

Conditions:
PTX3-related disorder. Also called: PTX3-related condition.

Allele frequency attached by ClinVar (database versions not stated): 1000 Genomes Project 30x 0.00078.
gnomAD v4.1: 278 of 1,503,794 alleles (0.018%); highest among the groups gnomAD compares: African/African-American, 0.36%; 1 homozygote.

Submissions (2):

Ambry Genetics
Classification: Uncertain significance. Last evaluated: 2025-10-08. Review status: criteria provided, single submitter. Criteria: Ambry Variant Classification Scheme 2023. Collection method: clinical testing. Allele origin: germline.

PreventionGenetics, part of Exact Sciences
Classification: Likely benign for PTX3-related condition. Last evaluated: 2022-08-02. Review status: no assertion criteria provided. Collection method: clinical testing. Allele origin: germline. Not counted in ClinVar's aggregate classification.
Comment: This variant is classified as likely benign based on ACMG/AMP sequence variant interpretation guidelines (Richards et al. 2015 PMID: 25741868, with internal and published modifications).

NM_002852.4(PTX3):c.355G>C (p.Glu119Gln)

Genes: PTX3 (pentraxin 3; plus strand), VEPH1 (ventricular zone expressed PH domain containing 1; minus strand). Cytogenetic location: 3q25.32.
Variant type: single nucleotide variant.
Coding change: c.355G>C on transcript NM_002852.4 (MANE Select); coding-DNA position 355, G replaced by C.
Protein change: p.Glu119Gln; replaces glutamic acid 119 with glutamine.
Molecular consequence: missense variant. On other transcripts: intron variant (3).
Genome position (GRCh38, 1-based): chr3:157,437,737, G>C. VCF-style: chr3-157437737-G-C. GRCh37 (hg19) VCF-style: chr3-157155526-G-C.
Other names: c.530-9249C>G (NM_001167911.2, NM_001167912.2, NM_024621.2); short protein forms E119Q.
Identifiers: ClinVar variation 3055811 (VCV003055811.4), dbSNP rs759937518, ClinGen allele CA2680580.